The following is an entry in ClinVar:

NM_178857.6(RP1L1):c.*332G>A

Gene: RP1L1 (RP1 like 1). Cytogenetic location: 8p23.1.
Variant type: single nucleotide variant.
Coding change: c.*332G>A on transcript NM_178857.6 (MANE Select); 332 bases downstream of the stop codon, G replaced by A.
Molecular consequence: 3 prime UTR variant.
Genome position (GRCh38, 1-based): chr8:10,606,563, C>T on the plus strand (G>A on the coding strand, the complement: RP1L1 is on the minus strand). VCF-style: chr8-10606563-C-T. GRCh37 (hg19) VCF-style: chr8-10464073-C-T.
Identifiers: ClinVar variation 912085 (VCV000912085.4), dbSNP rs145601298, ClinGen allele CA12857125.

ClinVar aggregate classification (germline): Benign (1 of 4 stars; one submission).

Conditions:
Occult macular dystrophy (OCMD). Also called: OMD; OCCULT MACULAR DYSTROPHY, SUSCEPTIBILITY TO. Identifiers: Orphanet 247834, MedGen C3150833, MONDO:0013316, OMIM 613587, HP:0030636.

Allele frequency attached by ClinVar (database versions not stated): gnomAD 0.00746 and 0.00794; TOPMed 0.00849; 1000 Genomes Project 0.00899; 1000 Genomes Project 30x 0.00968.
gnomAD v4.1: 1,265 of 322,576 alleles (0.39%); highest among the groups gnomAD compares: African/African-American, 2.5%; 18 homozygotes.

Submission:

Illumina Laboratory Services, Illumina
Classification: Benign for Occult macular dystrophy. Last evaluated: 2018-01-13. Review status: criteria provided, single submitter. Criteria: ICSL Variant Classification Criteria 13 December 2019. Collection method: clinical testing. Allele origin: germline.
Comment: This variant was observed in the ICSL laboratory as part of a predisposition screen in an ostensibly healthy population. It had not been previously curated by ICSL or reported in the Human Gene Mutation Database (HGMD: prior to June 1st, 2018), and was therefore a candidate for classification through an automated scoring system. Utilizing variant allele frequency, disease prevalence and penetrance estimates, and inheritance mode, an automated score was calculated to assess if this variant is too frequent to cause the disease. Based on the score and internal cut-off values, a variant classified as benign is not then subjected to further curation. The score for this variant resulted in a classification of benign for this disease.